The following is an entry in ClinVar:

NM_016953.4(PDE11A):c.2631C>A (p.Cys877Ter)

Gene: PDE11A (phosphodiesterase 11A; minus strand). Cytogenetic location: 2q31.2.
Variant type: single nucleotide variant.
Coding change: c.2631C>A on transcript NM_016953.4 (MANE Select); coding-DNA position 2631, C replaced by A.
Protein change: p.Cys877Ter; replaces cysteine 877 with a stop codon.
Molecular consequence: nonsense.
Genome position (GRCh38, 1-based): chr2:177,663,881, G>T on the plus strand (C>A on the coding strand, the complement: PDE11A is on the minus strand). VCF-style: chr2-177663881-G-T. GRCh37 (hg19) VCF-style: chr2-178528609-G-T.
Other names: c.1299C>A, p.Cys433Ter (NM_001077196.2); c.1881C>A, p.Cys627Ter (NM_001077197.2); c.1557C>A, p.Cys519Ter (NM_001077358.2); short protein forms C519*, C433*, C877*, C627*.
Identifiers: ClinVar variation 3899580 (VCV003899580.1), dbSNP rs765007321.

ClinVar aggregate classification (germline): Uncertain significance (1 of 4 stars; one submission).

gnomAD v4.1: 37 of 1,592,270 alleles (0.0023%); highest among the groups gnomAD compares: African/African-American, 0.0054%; no homozygotes.

Submission:

GeneDx
Classification: Uncertain significance. Last evaluated: 2024-11-14. Review status: criteria provided, single submitter. Criteria: GeneDx Variant Classification Process June 2021. Collection method: clinical testing. Allele origin: germline. Affected: yes.
Comment: Nonsense variant predicted to result in protein truncation as the last 57 amino acids are lost; Not observed at significant frequency in large population cohorts (gnomAD); Has not been previously published as pathogenic or benign to our knowledge